The following is an entry in ClinVar:

NM_015662.3(IFT172):c.2054G>T (p.Arg685Leu)

Gene: IFT172 (intraflagellar transport 172; minus strand). Cytogenetic location: 2p23.3.
Variant type: single nucleotide variant.
Coding change: c.2054G>T on transcript NM_015662.3 (MANE Select); coding-DNA position 2054, G replaced by T.
Protein change: p.Arg685Leu; replaces arginine 685 with leucine.
Molecular consequence: missense variant.
Genome position (GRCh38, 1-based): chr2:27,462,762, C>A on the plus strand (G>T on the coding strand, the complement: IFT172 is on the minus strand). VCF-style: chr2-27462762-C-A. GRCh37 (hg19) VCF-style: chr2-27685629-C-A.
Other names: c.1988G>T, p.Arg663Leu (NM_001410739.1); short protein forms R663L, R685L.
Identifiers: ClinVar variation 3752565 (VCV003752565.2).

ClinVar aggregate classification (germline): Uncertain significance (1 of 4 stars; one submission).

Conditions:
Short-rib thoracic dysplasia 10 with or without polydactyly (SRTD10). Identifiers: Orphanet 474, MedGen C3810175, MONDO:0014284, OMIM 615630.
Retinitis pigmentosa 71 (RP71). Identifiers: Orphanet 791, MedGen C4225342, MONDO:0014618, OMIM 616394.

gnomAD v4.1: 26 of 1,613,920 alleles (0.0016%); highest among the groups gnomAD compares: Non-Finnish European, 0.0021%; no homozygotes.

Submission:

Labcorp Genetics (formerly Invitae), Labcorp
Classification: Uncertain significance for Retinitis pigmentosa 71; Short-rib thoracic dysplasia 10 with or without polydactyly. Last evaluated: 2025-01-13. Review status: criteria provided, single submitter. Criteria: Invitae Variant Classification Sherloc (09022015). Collection method: clinical testing. Allele origin: germline.
Comment: This sequence change replaces arginine, which is basic and polar, with leucine, which is neutral and non-polar, at codon 685 of the IFT172 protein (p.Arg685Leu). This variant is present in population databases (rs561676433, gnomAD 0.004%). This variant has not been reported in the literature in individuals affected with IFT172-related conditions. Invitae Evidence Modeling of protein sequence and biophysical properties (such as structural, functional, and spatial information, amino acid conservation, physicochemical variation, residue mobility, and thermodynamic stability) indicates that this missense variant is not expected to disrupt IFT172 protein function with a negative predictive value of 95%. In summary, the available evidence is currently insufficient to determine the role of this variant in disease. Therefore, it has been classified as a Variant of Uncertain Significance.